The following is an entry in ClinVar:

ClinVar aggregate classification (germline): Likely benign (1 of 4 stars; one submission).

gnomAD v4.1: 11 of 982,404 alleles (0.0011%); highest among the groups gnomAD compares: African/African-American, 0.0035%; no homozygotes.

Submission:

CeGaT Center for Human Genetics Tuebingen
Classification: Likely benign. Last evaluated: 2026-08-01. Review status: criteria provided, single submitter. Criteria: CeGaT Center For Human Genetics Tuebingen Variant Classification Criteria Version 2. Collection method: clinical testing. Allele origin: germline. Affected: yes. Observed: 1 variant allele.
Comment: HLCS: BP4, BP7

NM_001352514.2(HLCS):c.12G>A (p.Thr4=)

Genes: HLCS (holocarboxylase synthetase; minus strand), HLCS-AS1 (HLCS antisense RNA 1; plus strand), LOC130066637 (ATAC-STARR-seq lymphoblastoid silent region 13291; plus strand). Cytogenetic location: 21q22.13.
Variant type: single nucleotide variant.
Coding change: c.12G>A on transcript NM_001352514.2 (MANE Select); coding-DNA position 12, G replaced by A.
Protein change: p.Thr4=; no amino-acid change (threonine 4 retained).
Molecular consequence: synonymous variant. On other transcripts: 5 prime UTR variant (1), intron variant (5).
Genome position (GRCh38, 1-based): chr21:36,966,627, C>T on the plus strand (G>A on the coding strand, the complement: HLCS is on the minus strand). VCF-style: chr21-36966627-C-T. GRCh37 (hg19) VCF-style: chr21-38338927-C-T.
Other names: c.-1385G>A (NM_001242784.3); c.-246-4457G>A (NM_001352517.1, NM_001352515.2, NM_001352516.2); c.-392-4457G>A (NM_001242785.2, NM_000411.8).
Identifiers: ClinVar variation 5038943 (VCV005038943.1).
Genomic context (GRCh38, chr21:36,966,627, plus strand): 5'-GGCGCGCACGAGCTCAGCCGGCCGGCGACCCCAGCGCGCCCACAGGTACAGGTAGCACAG[C>T]GTGATGAGCATGGCCGCGCCGCCGGCAGGGCGAGCCCGCCTTGCCCGCCCGCCCCAGCGC-3'
Protein context (NP_001339443.1, residues 1-14): MLI[Thr4=]LCYLYLWARW